The following is an entry in ClinVar:

NM_020800.3(IFT80):c.1413A>C (p.Lys471Asn)

Genes: TRIM59-IFT80 (TRIM59-IFT80 readthrough (NMD candidate); minus strand), IFT80 (intraflagellar transport 80; minus strand). Cytogenetic location: 3q25.33.
Variant type: single nucleotide variant.
Coding change: c.1413A>C on transcript NM_020800.3 (MANE Select); coding-DNA position 1413, A replaced by C.
Protein change: p.Lys471Asn; replaces lysine 471 with asparagine.
Molecular consequence: missense variant. On other transcripts: non-coding transcript variant (3).
Genome position (GRCh38, 1-based): chr3:160,282,581, T>G on the plus strand (A>C on the coding strand, the complement: IFT80 is on the minus strand). VCF-style: chr3-160282581-T-G. GRCh37 (hg19) VCF-style: chr3-160000369-T-G.
Other names: c.1002A>C, p.Lys334Asn (NM_001190241.2, NM_001190242.2); short protein forms K334N, K471N.
Identifiers: ClinVar variation 966156 (VCV000966156.9), dbSNP rs891175325, ClinGen allele CA86551773.

ClinVar aggregate classification (germline): Uncertain significance (1 of 4 stars; one submission).

Conditions:
Jeune thoracic dystrophy. Also called: Jeune syndrome; Infantile thoracic dystrophy; Thoracic pelvic phalangeal dystrophy; Jeune's syndrome; Chondroectodermal dysplasia-like syndrome; Short-rib thoracic dysplasia. Identifiers: Orphanet 474, MedGen C0265275, MONDO:0018770.

Allele frequency attached by ClinVar (database versions not stated): gnomAD exomes below 0.00001; gnomAD 0.00003; TOPMed 0.00004.
gnomAD v4.1: 6 of 1,588,664 alleles (0.00038%); highest among the groups gnomAD compares: African/African-American, 0.0081%; no homozygotes.

Submission:

Labcorp Genetics (formerly Invitae), Labcorp
Classification: Uncertain significance for Jeune thoracic dystrophy. Last evaluated: 2024-02-17. Review status: criteria provided, single submitter. Criteria: Invitae Variant Classification Sherloc (09022015). Collection method: clinical testing. Allele origin: germline.
Comment: This sequence change replaces lysine, which is basic and polar, with asparagine, which is neutral and polar, at codon 471 of the IFT80 protein (p.Lys471Asn). This variant is present in population databases (no rsID available, gnomAD 0.007%). This variant has not been reported in the literature in individuals affected with IFT80-related conditions. ClinVar contains an entry for this variant (Variation ID: 966156). Advanced modeling of protein sequence and biophysical properties (such as structural, functional, and spatial information, amino acid conservation, physicochemical variation, residue mobility, and thermodynamic stability) has been performed at Invitae for this missense variant, however the output from this modeling did not meet the statistical confidence thresholds required to predict the impact of this variant on IFT80 protein function. In summary, the available evidence is currently insufficient to determine the role of this variant in disease. Therefore, it has been classified as a Variant of Uncertain Significance.